The following is an entry in ClinVar:

NM_015338.6(ASXL1):c.3367C>T (p.Pro1123Ser)

Gene: ASXL1 (ASXL transcriptional regulator 1; plus strand). Cytogenetic location: 20q11.21.
Variant type: single nucleotide variant.
Coding change: c.3367C>T on transcript NM_015338.6 (MANE Select); coding-DNA position 3367, C replaced by T.
Protein change: p.Pro1123Ser; replaces proline 1123 with serine.
Molecular consequence: missense variant.
Genome position (GRCh38, 1-based): chr20:32,436,079, C>T. VCF-style: chr20-32436079-C-T. GRCh37 (hg19) VCF-style: chr20-31023882-C-T.
Other names: c.3184C>T, p.Pro1062Ser (NM_001363734.1); short protein forms P1062S, P1123S.
Identifiers: ClinVar variation 1719386 (VCV001719386.6), dbSNP rs2515579414, ClinGen allele CA408562912.

ClinVar aggregate classification (germline): Uncertain significance. Review status: criteria provided, multiple submitters, no conflicts (2 of 4 stars). 2 submissions from 2 submitters: Uncertain significance (2). Last evaluated 2025-10-26.

Conditions:
Inborn genetic diseases. Identifiers: MedGen C0950123, MeSH D030342.

Allele frequency attached by ClinVar (database versions not stated): gnomAD exomes below 0.00001.
gnomAD v4.1: 1 of 1,614,178 alleles (0.000062%); highest among the groups gnomAD compares: Non-Finnish European, 0.000085%; no homozygotes.

Submissions (2):

Ambry Genetics
Classification: Uncertain significance for Inborn genetic diseases. Last evaluated: 2025-10-26. Review status: criteria provided, single submitter. Criteria: Ambry Variant Classification Scheme 2023. Collection method: clinical testing. Allele origin: germline.
Comment: The p.P1123S variant (also known as c.3367C>T), located in coding exon 13 of the ASXL1 gene, results from a C to T substitution at nucleotide position 3367. The proline at codon 1123 is replaced by serine, an amino acid with similar properties. This amino acid position is conserved. In addition, this alteration is predicted to be tolerated by in silico analysis. Based on the available evidence, the clinical significance of this variant remains unclear.

Labcorp Genetics (formerly Invitae), Labcorp
Classification: Uncertain significance. Last evaluated: 2025-03-17. Review status: criteria provided, single submitter. Criteria: Invitae Variant Classification Sherloc (09022015). Collection method: clinical testing. Allele origin: germline.
Comment: This sequence change replaces proline, which is neutral and non-polar, with serine, which is neutral and polar, at codon 1123 of the ASXL1 protein (p.Pro1123Ser). This variant is not present in population databases (gnomAD no frequency). This variant has not been reported in the literature in individuals affected with ASXL1-related conditions. ClinVar contains an entry for this variant (Variation ID: 1719386). An algorithm developed to predict the effect of missense changes on protein structure and function outputs the following: PolyPhen-2: "Possibly Damaging". The serine amino acid residue is found in multiple mammalian species, which suggests that this missense change does not adversely affect protein function. In summary, the available evidence is currently insufficient to determine the role of this variant in disease. Therefore, it has been classified as a Variant of Uncertain Significance.